The following is an entry in ClinVar:

ClinVar aggregate classification (germline): Conflicting classifications of pathogenicity. Review status: criteria provided, conflicting classifications (1 of 4 stars). 5 submissions from 5 submitters: Uncertain significance (4); Likely benign (1). Last evaluated 2026-08-25.

Conditions:
Brugada syndrome 3 (BRGDA3). Identifiers: Orphanet 130, MedGen C2678478, MONDO:0012742, OMIM 611875.
Long QT syndrome 8. Identifiers: MedGen CN260585, MONDO:0032756, OMIM 618447.
Timothy syndrome (TS). Also called: LONG QT SYNDROME WITH SYNDACTYLY. Identifiers: Orphanet 65283, MedGen C1832916, MeSH C536962, MONDO:0010979, OMIM 601005.
CACNA1C-related disorder. Also called: CACNA1C-related disorders; CACNA1C-related condition. Identifiers: MedGen CN381092, MONDO:0700321.
Cardiovascular phenotype. Identifiers: MedGen CN230736.
Long QT syndrome (LQTS). Identifiers: MedGen C0023976, MeSH D008133, MONDO:0002442. Disease mechanism: loss of function. Inheritance: Various modes of inheritance.

Submissions (5):

PreventionGenetics, part of Exact Sciences
Classification: Uncertain significance for CACNA1C-related condition. Last evaluated: 2026-08-25. Review status: criteria provided, single submitter. Criteria: ACMG Guidelines, 2015. Collection method: clinical testing. Allele origin: germline.
Comment: The CACNA1C c.5032_5034delGAG variant is predicted to result in an in-frame deletion (p.Glu1678del). To our knowledge, this variant has not been reported in the literature. This variant is reported in 0.0087% of alleles in individuals of Latino descent in gnomAD. At this time, the clinical significance of this variant is uncertain due to the absence of conclusive functional and genetic evidence.

GeneDx
Classification: Uncertain significance. Last evaluated: 2022-10-17. Review status: criteria provided, single submitter. Criteria: GeneDx Variant Classification Process June 2021. Collection method: clinical testing. Allele origin: germline. Affected: yes.
Comment: Not observed at significant frequency in large population cohorts (gnomAD); In silico analysis supports a deleterious effect on protein structure/function; Has not been previously published as pathogenic or benign to our knowledge

Labcorp Genetics (formerly Invitae), Labcorp
Classification: Uncertain significance for Long QT syndrome. Last evaluated: 2022-08-31. Review status: criteria provided, single submitter. Criteria: Invitae Variant Classification Sherloc (09022015). Collection method: clinical testing. Allele origin: germline.
Comment: ClinVar contains an entry for this variant (Variation ID: 190694). In summary, the available evidence is currently insufficient to determine the role of this variant in disease. Therefore, it has been classified as a Variant of Uncertain Significance. Experimental studies and prediction algorithms are not available or were not evaluated, and the functional significance of this variant is currently unknown. This variant has not been reported in the literature in individuals affected with CACNA1C-related conditions. This variant is present in population databases (rs769051438, gnomAD 0.009%). This variant, c.5032_5034del, results in the deletion of 1 amino acid(s) of the CACNA1C protein (p.Glu1678del), but otherwise preserves the integrity of the reading frame.

Ambry Genetics
Classification: Likely benign for Cardiovascular phenotype. Last evaluated: 2022-02-18. Review status: criteria provided, single submitter. Criteria: Ambry Variant Classification Scheme 2023. Collection method: clinical testing. Allele origin: germline.

Fulgent Genetics
Classification: Uncertain significance for Timothy syndrome; Brugada syndrome 3; Long QT syndrome 8. Last evaluated: 2021-08-06. Review status: criteria provided, single submitter. Criteria: ACMG Guidelines, 2015. Collection method: clinical testing. Allele origin: unknown.

NM_000719.7(CACNA1C):c.5026GAG[2] (p.Glu1678del)

Genes: CACNA1C-AS1 (CACNA1C antisense RNA 1; minus strand), CACNA1C (calcium voltage-gated channel subunit alpha1 C; plus strand). Cytogenetic location: 12p13.33.
Variant type: Microsatellite.
Coding change: c.5026GAG[2] on transcript NM_000719.7 (MANE Select); two copies in a row of the 3-base unit GAG starting at c.5026; the reference has three copies in a row; one copy, 3 bases deleted; also written c.5032_5034del.
Protein change: p.Glu1678del; deletes glutamic acid 1678.
Molecular consequence: inframe deletion. On other transcripts: non-coding transcript variant (1).
Genome position (GRCh38, 1-based): chr12:2,677,808-2,677,810, GAG deleted; deleting any 3 consecutive bases within chr12:2,677,802-2,677,810 gives the same sequence; the position shown is the placement nearest the transcript's 3' end. VCF-style (leftmost placement, unchanged base first): chr12-2677801-TGAG-T. GRCh37 (hg19) VCF-style: chr12-2786967-TGAG-T.
Other names: c.5032_5034del (NM_000719.6); c.5170GAG[2], p.Glu1726del (NM_001129827.2, NM_199460.4); c.5149GAG[2], p.Glu1719del (NM_001129829.2); c.5026GAG[2], p.Glu1678del (NM_001129830.3, NM_001129840.2, NM_001129841.2 and 4 more transcripts); c.5110GAG[2], p.Glu1706del (NM_001129831.2); c.5086GAG[2], p.Glu1698del (NM_001129832.2); c.5083GAG[2], p.Glu1697del (NM_001129833.2, NM_001129834.2, NM_001129835.2); c.5077GAG[2], p.Glu1695del (NM_001129836.2); and 4 more; short protein forms E1678del, E1726del, E1675del, E1695del, E1698del, E1667del, E1686del, E1706del.
Identifiers: ClinVar variation 190694 (VCV000190694.12), dbSNP rs786205773, ClinGen allele CA301688.